The following is an entry in ClinVar:

ClinVar aggregate classification (germline): Uncertain significance (1 of 4 stars; one submission).

Submission:

Labcorp Genetics (formerly Invitae), Labcorp
Classification: Uncertain significance. Last evaluated: 2025-07-23. Review status: criteria provided, single submitter. Criteria: Invitae Variant Classification Sherloc (09022015). Collection method: clinical testing. Allele origin: germline.
Comment: This sequence change replaces aspartic acid, which is acidic and polar, with asparagine, which is neutral and polar, at codon 66 of the PEX11B protein (p.Asp66Asn). This variant is not present in population databases (gnomAD no frequency). This variant has not been reported in the literature in individuals affected with PEX11B-related conditions. ClinVar contains an entry for this variant (Variation ID: 1439230). An algorithm developed to predict the effect of missense changes on protein structure and function outputs the following: PolyPhen-2: "Benign". The asparagine amino acid residue is found in multiple mammalian species, which suggests that this missense change does not adversely affect protein function. In summary, the available evidence is currently insufficient to determine the role of this variant in disease. Therefore, it has been classified as a Variant of Uncertain Significance.

NM_003846.3(PEX11B):c.196G>A (p.Asp66Asn)

Gene: PEX11B (peroxisomal biogenesis factor 11 beta; minus strand). Cytogenetic location: 1q21.1.
Variant type: single nucleotide variant.
Coding change: c.196G>A on transcript NM_003846.3 (MANE Select); coding-DNA position 196, G replaced by A.
Protein change: p.Asp66Asn; replaces aspartic acid 66 with asparagine.
Molecular consequence: missense variant. On other transcripts: non-coding transcript variant (3).
Genome position (GRCh38, 1-based): chr1:145,916,995, C>T on the plus strand (G>A on the coding strand, the complement: PEX11B is on the minus strand). VCF-style: chr1-145916995-C-T. GRCh37 (hg19) VCF-style: chr1-145518094-G-A.
Other names: c.154G>A, p.Asp52Asn (NM_001184795.1); short protein forms D52N, D66N.
Identifiers: ClinVar variation 1439230 (VCV001439230.6), dbSNP rs868914032, ClinGen allele CA342123770.